The following is an entry in ClinVar:

ClinVar aggregate classification (germline): Likely pathogenic (1 of 4 stars; one submission).

Conditions:
Short stature, rhizomelic, with microcephaly, micrognathia, and developmental delay (SSMG). Also called: SHORT STATURE-MICROGNATHIA SYNDROME. Identifiers: Orphanet 659702, MedGen C4310686, MONDO:0014948, OMIM 617164.

Submission:

Victorian Clinical Genetics Services, Murdoch Childrens Research Institute
Classification: Likely pathogenic for Short stature, rhizomelic, with microcephaly, micrognathia, and developmental delay. Last evaluated: 2024-10-09. Review status: criteria provided, single submitter. Criteria: ACMG Guidelines, 2015. Collection method: clinical testing. Allele origin: germline. Inheritance: Autosomal dominant inheritance. Affected: yes.
Comment: Based on the classification scheme VCGS_Germline_v1.3.4, this variant is classified as Likely Pathogenic. Following criteria are met: 0102 - Loss of function is a known mechanism of disease in this gene and is associated with short stature-micrognathia syndrome (MIM#617164). (I) 0107 - This gene is associated with autosomal dominant disease. (I) 0204 - Variant is predicted to result in a truncated protein (premature termination codon is located within the first 102 nucleotides of the coding sequence and is predicted to escape nonsense-mediated decay). (SP) 0251 - This variant is heterozygous. (I) 0301 - Variant is absent from gnomAD (both v2 and v3). (SP) 0704 - Another 5' truncating variant comparable to the one identified in this case has limited previous evidence for pathogenicity. p.(Arg26*) has been classified as a pathogenic variant in ClinVar; however, no phenotypic information was provided. (SP) 0807 - This variant has no previous evidence of pathogenicity. (I) 0905 - No published segregation evidence has been identified for this variant. (I) 1007 - No published functional evidence has been identified for this variant. (SP) Legend: (SP) - Supporting pathogenic, (I) - Information, (SB) - Supporting benign

NM_001655.5(ARCN1):c.55C>T (p.Arg19Ter)

Gene: ARCN1 (archain 1; plus strand). Cytogenetic location: 11q23.3.
Variant type: single nucleotide variant.
Coding change: c.55C>T on transcript NM_001655.5 (MANE Select); coding-DNA position 55, C replaced by T.
Protein change: p.Arg19Ter; replaces arginine 19 with a stop codon.
Molecular consequence: nonsense. On other transcripts: 5 prime UTR variant (1), non-coding transcript variant (2), intron variant (4).
Genome position (GRCh38, 1-based): chr11:118,581,297, C>T. VCF-style: chr11-118581297-C-T. GRCh37 (hg19) VCF-style: chr11-118452012-C-T.
Other names: c.55C>T, p.Arg19Ter (NM_001425073.1, NM_001425074.1, NM_001425077.1 and 2 more transcripts); c.-15C>T (NM_001425076.1); c.4-6C>T (NM_001425075.1); c.4-1882C>T (NM_001142281.2, NM_001425081.1); c.4-2512C>T (NM_001425080.1); short protein forms R19*.
Identifiers: ClinVar variation 3377223 (VCV003377223.1).